The following is an entry in ClinVar:

NM_001382391.1(CSPP1):c.2776C>T (p.Arg926Cys)

Gene: CSPP1 (centrosome and spindle pole associated protein 1; plus strand). Cytogenetic location: 8q13.2.
Variant type: single nucleotide variant.
Coding change: c.2776C>T on transcript NM_001382391.1 (MANE Select); coding-DNA position 2776, C replaced by T.
Protein change: p.Arg926Cys; replaces arginine 926 with cysteine.
Molecular consequence: missense variant.
Genome position (GRCh38, 1-based): chr8:67,164,456, C>T. VCF-style: chr8-67164456-C-T. GRCh37 (hg19) VCF-style: chr8-68076691-C-T.
Other names: c.1726C>T, p.Arg576Cys (NM_001291339.2); c.2695C>T, p.Arg899Cys (NM_001363131.2); c.2581C>T, p.Arg861Cys (NM_001363132.2); c.2500C>T, p.Arg834Cys (NM_001363133.2); c.2842C>T, p.Arg948Cys (NM_001364869.1); c.2662C>T, p.Arg888Cys (NM_001364870.1); c.2761C>T, p.Arg921Cys (NM_024790.7); short protein forms R899C, R921C, R926C, R948C, R834C, R576C, R861C, R888C.
Identifiers: ClinVar variation 1524964 (VCV001524964.5), dbSNP rs373151997, ClinGen allele CA4770940.

ClinVar aggregate classification (germline): Uncertain significance (1 of 4 stars; one submission).

Conditions:
Joubert syndrome 21 (JBTS21). Identifiers: MedGen C3810212, MONDO:0014288, OMIM 615636.

Allele frequency attached by ClinVar (database versions not stated): TOPMed 0.00002; gnomAD 0.00003 and 0.00001; gnomAD exomes 0.00003 and 0.00004; ExAC 0.00007; ESP Exome Variant Server 0.00017.
gnomAD v4.1: 39 of 1,606,668 alleles (0.0024%); highest among the groups gnomAD compares: South Asian, 0.026%; 1 homozygote.

Submission:

Labcorp Genetics (formerly Invitae), Labcorp
Classification: Uncertain significance for Joubert syndrome 21. Last evaluated: 2021-09-17. Review status: criteria provided, single submitter. Criteria: Invitae Variant Classification Sherloc (09022015). Collection method: clinical testing. Allele origin: germline.
Comment: This sequence change replaces arginine with cysteine at codon 921 of the CSPP1 protein (p.Arg921Cys). The arginine residue is moderately conserved and there is a large physicochemical difference between arginine and cysteine. This variant is present in population databases (rs373151997, ExAC 0.04%). This variant has not been reported in the literature in individuals affected with CSPP1-related conditions. Algorithms developed to predict the effect of missense changes on protein structure and function are either unavailable or do not agree on the potential impact of this missense change (SIFT: "Deleterious"; PolyPhen-2: "Probably Damaging"; Align-GVGD: "Class C0"). Algorithms developed to predict the effect of sequence changes on RNA splicing suggest that this variant may create or strengthen a splice site. In summary, the available evidence is currently insufficient to determine the role of this variant in disease. Therefore, it has been classified as a Variant of Uncertain Significance.